The following is an entry in ClinVar:

ClinVar aggregate classification (germline): Pathogenic (1 of 4 stars; one submission).

Conditions:
Pitt-Hopkins-like syndrome 2 (PTHSL2). Identifiers: Orphanet 221150, Orphanet 600663, MedGen C3280479, MONDO:0013690, OMIM 614325.

Submission:

Labcorp Genetics (formerly Invitae), Labcorp
Classification: Pathogenic for Pitt-Hopkins-like syndrome 2. Last evaluated: 2022-06-14. Review status: criteria provided, single submitter. Criteria: Invitae Variant Classification Sherloc (09022015). Collection method: clinical testing. Allele origin: germline.
Comment: For these reasons, this variant has been classified as Pathogenic. A similar copy number variant has been observed in individual(s) with developmental delay and hypotonia (PMID: 23533028). This variant is a gross deletion of the genomic region encompassing exon(s) 1-9 of the NRXN1 gene, which includes the initiator codon. This deletion extends beyond the assayed region for this gene and therefore may encompass additional genes. It is expected to result in an absent or disrupted protein product. Loss-of-function variants in NRXN1 are known to be pathogenic (PMID: 19896112, 21964664, 23495017, 23533028, 25149956, 30031152).

Literature cited by the submitters: PubMed 23533028; PubMed 19896112; PubMed 21964664; PubMed 23495017; PubMed 25149956; PubMed 30031152.

NC_000002.12:g.(?_50620002)_(51032054_?)del

Gene: NRXN1 (neurexin 1; minus strand). Cytogenetic location: 2p16.3.
Variant type: Deletion.
Identifiers: ClinVar variation 832928 (VCV000832928.3).